The following is an entry in ClinVar:

NM_139276.3(STAT3):c.1366-15_1366-5del

Gene: STAT3 (signal transducer and activator of transcription 3; minus strand). Cytogenetic location: 17q21.2.
Variant type: Deletion.
Coding change: c.1366-15_1366-5del on transcript NM_139276.3 (MANE Select); 15 bases into the intron before coding-DNA position 1366 through 5 bases into the intron before coding-DNA position 1366, 11 bases deleted (CCACTCCCTCC).
Molecular consequence: intron variant.
Genome position (GRCh38, 1-based): chr17:42,325,066-42,325,076, GGAGGGAGTGG deleted on the plus strand (CCACTCCCTCC on the coding strand, the reverse complement: STAT3 is on the minus strand); deleting any 11 consecutive bases within chr17:42,325,066-42,325,079 gives the same sequence; the c. name uses the placement nearest the transcript's 3' end. VCF-style (leftmost placement, unchanged base first): chr17-42325065-CGGAGGGAGTGG-C. GRCh37 (hg19) VCF-style: chr17-40477083-CGGAGGGAGTGG-C.
Other names: c.1270-15_1270-5del (NM_001384989.1); c.1306-15_1306-5del (NM_001384992.1); c.1282-15_1282-5del (NM_001384984.1); c.1366-15_1366-5del (NM_001369519.1, NM_003150.4, NM_001369517.1 and 11 more transcripts); c.1288-15_1288-5del (NM_001384985.1); c.1381-15_1381-5del (NM_001384986.1, NM_001384990.1); c.1366-15_1366-5delCCACTCCCTCC (NM_139276.2).
Identifiers: ClinVar variation 424053 (VCV000424053.2), dbSNP rs1064796770, ClinGen allele CA16620414.
Genomic context (GRCh38, chr17:42,325,065, plus strand): 5'-CCAGGCATTTGGCATCTGACAGATGTTGGAGATCACCACAACTGGCAAGGAGTGGGTCTG[CGGAGGGAGTGG>C]GGACTGAGCTGGGGAGGCAGAGGGGCTCTCACAGCCTTGGAAATCTCTTCACCCGCATCT-3'

ClinVar aggregate classification (germline): Uncertain significance (1 of 4 stars; one submission).

Submission:

GeneDx
Classification: Uncertain significance. Last evaluated: 2017-03-03. Review status: criteria provided, single submitter. Criteria: GeneDx Variant Classification (06012015). Collection method: clinical testing. Allele origin: germline. Affected: yes.
Comment: The c.1366-15_1366-5del11 variant has not been published as a pathogenic variant, nor has it been reported as a benign variant to our knowledge. The variant is not observed in large population cohorts (Lek et al., 2016; 1000 Genomes Consortium et al., 2015; Exome Variant Server). Several in-silico splice prediction models predict that c.1366-15_1366-5del11 creates a cryptic acceptor site which may supplant the natural acceptor site and lead to abnormal gene splicing. However, in the absence of RNA/functional studies, the actual effect of this sequence change in this individual is unknown. Therefore, based on the currently available information, it is unclear whether this variant is a pathogenic variant or a rare benign variant.